The following is an entry in ClinVar:

ClinVar aggregate classification (germline): Pathogenic (1 of 4 stars; one submission).

Allele frequency attached by ClinVar (database versions not stated): gnomAD exomes below 0.00001.
gnomAD v4.1: 1 of 1,613,936 alleles (0.000062%); highest among the groups gnomAD compares: Non-Finnish European, 0.000085%; no homozygotes.

Submission:

Labcorp Genetics (formerly Invitae), Labcorp
Classification: Pathogenic. Last evaluated: 2023-08-28. Review status: criteria provided, single submitter. Criteria: Invitae Variant Classification Sherloc (09022015). Collection method: clinical testing. Allele origin: germline.
Comment: This sequence change affects a donor splice site in intron 10 of the USH2A gene. It is expected to disrupt RNA splicing. Variants that disrupt the donor or acceptor splice site typically lead to a loss of protein function (PMID: 16199547), and loss-of-function variants in USH2A are known to be pathogenic (PMID: 10729113, 10909849, 20507924, 25649381). For these reasons, this variant has been classified as Pathogenic. Algorithms developed to predict the effect of sequence changes on RNA splicing suggest that this variant may disrupt the consensus splice site. Disruption of this splice site has been observed in individual(s) with Usher syndrome (PMID: 21593743). In at least one individual the data is consistent with being in trans (on the opposite chromosome) from a pathogenic variant. This variant is not present in population databases (gnomAD no frequency).

Literature cited by the submitters: PubMed 16199547; PubMed 10729113; PubMed 10909849; PubMed 20507924; PubMed 25649381; PubMed 21593743.

NM_206933.4(USH2A):c.1840+1G>T

Gene: USH2A (usherin; minus strand). Cytogenetic location: 1q41.
Variant type: single nucleotide variant.
Coding change: c.1840+1G>T on transcript NM_206933.4 (MANE Select); the canonical splice donor site of the intron after coding-DNA position 1840, G replaced by T.
Molecular consequence: splice donor variant.
Genome position (GRCh38, 1-based): chr1:216,292,174, C>A on the plus strand (G>T on the coding strand, the complement: USH2A is on the minus strand). VCF-style: chr1-216292174-C-A. GRCh37 (hg19) VCF-style: chr1-216465516-C-A.
Other names: c.1840+1G>T (NM_007123.6).
Identifiers: ClinVar variation 2755494 (VCV002755494.3), dbSNP rs2528256187, ClinGen allele CA344902981.